The following is an entry in ClinVar:

NM_001349253.2(SCN11A):c.968C>T (p.Ser323Phe)

Gene: SCN11A (sodium voltage-gated channel alpha subunit 11; minus strand). Cytogenetic location: 3p22.2.
Variant type: single nucleotide variant.
Coding change: c.968C>T on transcript NM_001349253.2 (MANE Select); coding-DNA position 968, C replaced by T.
Protein change: p.Ser323Phe; replaces serine 323 with phenylalanine.
Molecular consequence: missense variant.
Genome position (GRCh38, 1-based): chr3:38,910,199, G>A on the plus strand (C>T on the coding strand, the complement: SCN11A is on the minus strand). VCF-style: chr3-38910199-G-A. GRCh37 (hg19) VCF-style: chr3-38951690-G-A.
Other names: c.968C>T, p.Ser323Phe (NM_014139.3); short protein forms S323F.
Identifiers: ClinVar variation 1445718 (VCV001445718.8), dbSNP rs2065867310, ClinGen allele CA352168818.

ClinVar aggregate classification (germline): Uncertain significance (1 of 4 stars; one submission).

Conditions:
Hereditary sensory and autonomic neuropathy type 7. Also called: HSAN VII; Neuropathy, hereditary sensory and autonomic, type VII. Identifiers: Orphanet 391397, MedGen C3809882, MONDO:0014244, OMIM 615548.
Familial episodic pain syndrome with predominantly lower limb involvement. Also called: Episodic pain syndrome, familial, 3. Identifiers: Orphanet 391384, Orphanet 391392, MedGen C3809899, MONDO:0014247, OMIM 615552.

Allele frequency attached by ClinVar (database versions not stated): gnomAD exomes 0.00001.

Submission:

Labcorp Genetics (formerly Invitae), Labcorp
Classification: Uncertain significance for Familial episodic pain syndrome with predominantly lower limb involvement; Hereditary sensory and autonomic neuropathy type 7. Last evaluated: 2023-06-25. Review status: criteria provided, single submitter. Criteria: Invitae Variant Classification Sherloc (09022015). Collection method: clinical testing. Allele origin: germline.
Comment: ClinVar contains an entry for this variant (Variation ID: 1445718). Advanced modeling of protein sequence and biophysical properties (such as structural, functional, and spatial information, amino acid conservation, physicochemical variation, residue mobility, and thermodynamic stability) performed at Invitae indicates that this missense variant is expected to disrupt SCN11A protein function. This variant has not been reported in the literature in individuals affected with SCN11A-related conditions. This variant is not present in population databases (gnomAD no frequency). This sequence change replaces serine, which is neutral and polar, with phenylalanine, which is neutral and non-polar, at codon 323 of the SCN11A protein (p.Ser323Phe). In summary, the available evidence is currently insufficient to determine the role of this variant in disease. Therefore, it has been classified as a Variant of Uncertain Significance.